The following is an entry in ClinVar:

NM_000781.3(CYP11A1):c.340G>A (p.Glu114Lys)

Gene: CYP11A1 (cytochrome P450 family 11 subfamily A member 1; minus strand). Cytogenetic location: 15q24.1.
Variant type: single nucleotide variant.
Coding change: c.340G>A on transcript NM_000781.3 (MANE Select); coding-DNA position 340, G replaced by A.
Protein change: p.Glu114Lys; replaces glutamic acid 114 with lysine.
Molecular consequence: missense variant. On other transcripts: 5 prime UTR variant (1).
Genome position (GRCh38, 1-based): chr15:74,347,985, C>T on the plus strand (G>A on the coding strand, the complement: CYP11A1 is on the minus strand). VCF-style: chr15-74347985-C-T. GRCh37 (hg19) VCF-style: chr15-74640326-C-T.
Other names: c.-135G>A (NM_001099773.2); short protein forms E114K.
Identifiers: ClinVar variation 4983377 (VCV004983377.1).

ClinVar aggregate classification (germline): Uncertain significance (1 of 4 stars; one submission).

Conditions:
CYP11A1-related disorder. Also called: CYP11A1-related condition.

gnomAD v4.1: 2 of 1,614,140 alleles (0.00012%); highest among the groups gnomAD compares: South Asian, 0.0011%; no homozygotes.

Submission:

PreventionGenetics, part of Exact Sciences
Classification: Uncertain significance for CYP11A1-related condition. Last evaluated: 2024-11-13. Review status: criteria provided, single submitter. Criteria: ACMG Guidelines, 2015. Collection method: clinical testing. Allele origin: germline.
Comment: The CYP11A1 c.340G>A variant is predicted to result in the amino acid substitution p.Glu114Lys. To our knowledge, this variant has not been reported in the literature. This variant is reported in 0.0033% of alleles in individuals of South Asian descent in gnomAD. At this time, the clinical significance of this variant is uncertain due to the absence of conclusive functional and genetic evidence.